The following is an entry in ClinVar:

NM_005609.4(PYGM):c.528+2T>G

Gene: PYGM (glycogen phosphorylase, muscle associated; minus strand). Cytogenetic location: 11q13.1.
Variant type: single nucleotide variant.
Coding change: c.528+2T>G on transcript NM_005609.4 (MANE Select); the canonical splice donor site of the intron after coding-DNA position 528, T replaced by G.
Molecular consequence: splice donor variant.
Genome position (GRCh38, 1-based): chr11:64,758,244, A>C on the plus strand (T>G on the coding strand, the complement: PYGM is on the minus strand). VCF-style: chr11-64758244-A-C. GRCh37 (hg19) VCF-style: chr11-64525716-A-C.
Other names: c.264+2T>G (NM_001164716.1).
Identifiers: ClinVar variation 370414 (VCV000370414.9), dbSNP rs1057516468, ClinGen allele CA16041501.

ClinVar aggregate classification (germline): Likely pathogenic. Review status: criteria provided, multiple submitters, no conflicts (2 of 4 stars). 3 submissions from 3 submitters: Likely pathogenic (2). 1 of the submissions does not count toward it. Last evaluated 2023-08-16.

Conditions:
Glycogen storage disease, type V (GSD5). Also called: PYGM DEFICIENCY; McArdle type glycogen storage disease; MYOPHOSPHORYLASE DEFICIENCY; MCARDLE DISEASE; MUSCLE GLYCOGEN PHOSPHORYLASE DEFICIENCY. Identifiers: Orphanet 368, MedGen C0017924, MONDO:0009293, OMIM 232600.

Submissions (3):

Baylor Genetics
Classification: Likely pathogenic for Glycogen storage disease, type V. Last evaluated: 2023-08-16. Review status: criteria provided, single submitter. Criteria: ACMG Guidelines, 2015. Collection method: clinical testing. Allele origin: unknown.

Labcorp Genetics (formerly Invitae), Labcorp
Classification: Likely pathogenic for Glycogen storage disease, type V. Last evaluated: 2022-03-11. Review status: criteria provided, single submitter. Criteria: Invitae Variant Classification Sherloc (09022015). Collection method: clinical testing. Allele origin: germline.
Comment: In summary, the currently available evidence indicates that the variant is pathogenic, but additional data are needed to prove that conclusively. Therefore, this variant has been classified as Likely Pathogenic. Algorithms developed to predict the effect of sequence changes on RNA splicing suggest that this variant may disrupt the consensus splice site. ClinVar contains an entry for this variant (Variation ID: 370414). This variant has not been reported in the literature in individuals affected with PYGM-related conditions. This variant is not present in population databases (gnomAD no frequency). This sequence change affects a donor splice site in intron 4 of the PYGM gene. It is expected to disrupt RNA splicing. Variants that disrupt the donor or acceptor splice site typically lead to a loss of protein function (PMID: 16199547), and loss-of-function variants in PYGM are known to be pathogenic (PMID: 8316268, 16786513).

Counsyl
Classification: Likely pathogenic for Glycogen storage disease, type V. Last evaluated: 2016-02-03. Review status: no assertion criteria provided. Collection method: clinical testing. Allele origin: unknown. Not counted in ClinVar's aggregate classification.

Literature cited by the submitters: PubMed 16199547 (cited by Labcorp Genetics (formerly Invitae), Labcorp); PubMed 8316268 (cited by Labcorp Genetics (formerly Invitae), Labcorp); PubMed 16786513 (cited by Labcorp Genetics (formerly Invitae), Labcorp).